The following is an entry in ClinVar:

ClinVar aggregate classification (germline): Pathogenic (1 of 4 stars; one submission).

Allele frequency attached by ClinVar (database versions not stated): gnomAD exomes below 0.00001; TOPMed below 0.00001; gnomAD 0.00001; ESP Exome Variant Server 0.00008.
gnomAD v4.1: 1 of 1,613,700 alleles (0.000062%); highest among the groups gnomAD compares: Non-Finnish European, 0.000085%; no homozygotes.

Submission:

Labcorp Genetics (formerly Invitae), Labcorp
Classification: Pathogenic. Last evaluated: 2025-09-02. Review status: criteria provided, single submitter. Criteria: Invitae Variant Classification Sherloc (09022015). Collection method: clinical testing. Allele origin: germline.
Comment: This sequence change creates a premature translational stop signal (p.Gln6*) in the SLC25A12 gene. It is expected to result in an absent or disrupted protein product. Loss-of-function variants in SLC25A12 are known to be pathogenic (PMID: 20015484, 31403263). This variant is present in population databases (rs145411666, gnomAD 0.007%). This premature translational stop signal has been observed in individual(s) with clinical features of SLC25A12-related conditions (internal data). ClinVar contains an entry for this variant (Variation ID: 659960). For these reasons, this variant has been classified as Pathogenic.

Literature cited by the submitters: PubMed 20015484; PubMed 31403263.

NM_003705.5(SLC25A12):c.16C>T (p.Gln6Ter)

Gene: SLC25A12 (solute carrier family 25 member 12; minus strand). Cytogenetic location: 2q31.1.
Variant type: single nucleotide variant.
Coding change: c.16C>T on transcript NM_003705.5 (MANE Select); coding-DNA position 16, C replaced by T.
Protein change: p.Gln6Ter; replaces glutamine 6 with a stop codon.
Molecular consequence: nonsense. On other transcripts: non-coding transcript variant (1).
Genome position (GRCh38, 1-based): chr2:171,893,255, G>A on the plus strand (C>T on the coding strand, the complement: SLC25A12 is on the minus strand). VCF-style: chr2-171893255-G-A. GRCh37 (hg19) VCF-style: chr2-172749765-G-A.
Other names: short protein forms Q6*.
Identifiers: ClinVar variation 659960 (VCV000659960.10), dbSNP rs145411666, ClinGen allele CA60959973.
Genomic context (GRCh38, chr2:171,893,255, plus strand): 5'-GCCAATTTACCTGTAGAAATATGTTTCTTAACTCATGAGGATCCCCTCGCTTAGTTGTCT[G>A]CACCTGTAAGCAAAAAAGAAAAAAAAGCCAGTTAATGCTTCACTAGAGACCACACAATCT-3'